The following is an entry in ClinVar:

NM_000516.7(GNAS):c.-18GCC[7] (p.Met1_Gly2insAla)

Gene: GNAS (GNAS complex locus; plus strand). Cytogenetic location: 20q13.32.
Variant type: Microsatellite.
Coding change: c.-18GCC[7] on transcript NM_000516.7 (MANE Select); seven copies in a row of the 3-base unit GCC starting at c.-18; the reference has six copies in a row; one copy, 3 bases duplicated.
Protein change: p.Met1_Gly2insAla.
Molecular consequence: inframe insertion. On other transcripts: intron variant (6).
Genome position (GRCh38, 1-based): chr20:58,891,724-58,891,726, GCC duplicated; duplicating any 3 consecutive bases within chr20:58,891,707-58,891,726 gives the same sequence; the position shown is the placement nearest the transcript's 3' end. VCF-style (leftmost placement, unchanged base first): chr20-58891706-C-CCCG. GRCh37 (hg19) VCF-style: chr20-57466761-C-CCCG.
Other names: c.-18GCC[7], p.Met1_Gly2insAla (NM_001077488.5, NM_001077489.4, NM_001309842.2 and 1 more transcripts); c.*43-3905CCG[7] (NM_016592.5); c.-38-3905CCG[7] (NM_001309861.2); c.*1-3905CCG[7] (NM_001077490.3); c.2069-3905CCG[7] (NM_080425.4); c.*159-3905CCG[7] (NM_001309883.1); c.-39+2354CCG[7] (NM_001309840.2); c.2069-3888_2069-3886dupGCC (NM_080425.3).
Identifiers: ClinVar variation 193105 (VCV000193105.31), dbSNP rs745433225, ClinGen allele CA200318.

ClinVar aggregate classification (germline): Benign/Likely benign. Review status: criteria provided, multiple submitters, no conflicts (2 of 4 stars). 4 submissions from 4 submitters: Benign (1); Likely benign (2). 1 of the submissions does not count toward it. Last evaluated 2026-03-01.

Conditions:
GNAS-related disorder. Identifiers: MedGen CN380105.

Submissions (4):

CeGaT Center for Human Genetics Tuebingen
Classification: Benign. Last evaluated: 2026-03-01. Review status: criteria provided, single submitter. Criteria: CeGaT Center For Human Genetics Tuebingen Variant Classification Criteria Version 2. Collection method: clinical testing. Allele origin: germline. Affected: yes. Observed: 6 variant alleles.
Comment: GNAS: BP4, BS1, BS2

Blueprint Genetics
Classification: Likely benign. Last evaluated: 2018-05-24. Review status: criteria provided, single submitter. Criteria: ACMG Guidelines, 2015. Collection method: clinical testing. Allele origin: germline.

Eurofins Ntd Llc (ga)
Classification: Likely benign. Last evaluated: 2015-06-08. Review status: criteria provided, single submitter. Criteria: EGL Classification Definitions. Collection method: clinical testing. Allele origin: germline.

PreventionGenetics, part of Exact Sciences
Classification: Likely benign for GNAS-related condition. Last evaluated: 2019-08-30. Review status: no assertion criteria provided. Collection method: clinical testing. Allele origin: germline. Not counted in ClinVar's aggregate classification.
Comment: This variant is classified as likely benign based on ACMG/AMP sequence variant interpretation guidelines (Richards et al. 2015 PMID: 25741868, with internal and published modifications).